The following is an entry in ClinVar:

ClinVar aggregate classification (germline): Conflicting classifications of pathogenicity. Review status: criteria provided, conflicting classifications (1 of 4 stars). 3 submissions from 3 submitters: Uncertain significance (1); Likely benign (2). Last evaluated 2024-02-07.

Conditions:
Seizures, benign familial infantile, 3 (BFIS3). Also called: CONVULSIONS, BENIGN FAMILIAL INFANTILE, 3; Familial neonatal seizures. Identifiers: Orphanet 140927, Orphanet 306, MedGen C1843140, MONDO:0011904, OMIM 607745.
Developmental and epileptic encephalopathy, 11 (DEE11). Also called: Early infantile epileptic encephalopathy 11. Identifiers: Orphanet 1934, MedGen C3150987, MONDO:0013388, OMIM 613721.
Inborn genetic diseases. Identifiers: MedGen C0950123, MeSH D030342.

Allele frequency attached by ClinVar (database versions not stated): gnomAD 0.00001 and 0.00002; gnomAD exomes 0.00001 and 0.00006; TOPMed 0.00002; ExAC 0.00010; 1000 Genomes Project 30x 0.00016; 1000 Genomes Project 0.00020.
gnomAD v4.1: 19 of 1,614,102 alleles (0.0012%); highest among the groups gnomAD compares: East Asian, 0.033%; no homozygotes.

Submissions (3):

Labcorp Genetics (formerly Invitae), Labcorp
Classification: Likely benign for Seizures, benign familial infantile, 3; Developmental and epileptic encephalopathy, 11. Last evaluated: 2024-02-07. Review status: criteria provided, single submitter. Criteria: Invitae Variant Classification Sherloc (09022015). Collection method: clinical testing. Allele origin: germline.

Ambry Genetics
Classification: Likely benign for Inborn genetic diseases. Last evaluated: 2020-01-24. Review status: criteria provided, single submitter. Criteria: Ambry Variant Classification Scheme 2023. Collection method: clinical testing. Allele origin: germline.

GeneDx
Classification: Uncertain significance. Last evaluated: 2018-04-19. Review status: criteria provided, single submitter. Criteria: GeneDx Variant Classification (06012015). Collection method: clinical testing. Allele origin: germline. Affected: yes.
Comment: p.Leu635Pro (CTC>CCC): c.1904 T>C in exon 12 of the SCN2A gene (NM_021007.2). A variant of unknown significance has been identified in the SCN2A gene. The L635P variant has not been published as a mutation, nor has it been reported as a benign polymorphism to our knowledge. It was not observed in approximately 6,500 individuals of European and African American ancestry in the NHLBI Exome Sequencing Project, indicating it is not a common benign variant in these populations. The L635P variant is a semi-conservative amino acid substitution, which may impact secondary protein structure as these residues differ in some properties. In silico analysis predicts this variant is probably damaging to the protein structure/function. However, this substitution alters a poorly conserved position in the cytoplasmic loop between the first and second homologous domains of the SCN2A protein (Shi et al, 2012), and Proline is observed at this position in evolution. Therefore, based on the currently available information, it is unclear whether this variant is a pathogenic mutation or a rare benign variant. The variant is found in EPILEPSYV2-1 panel(s).

NM_001040142.2(SCN2A):c.1904T>C (p.Leu635Pro)

Gene: SCN2A (sodium voltage-gated channel alpha subunit 2; plus strand). Cytogenetic location: 2q24.3.
Variant type: single nucleotide variant.
Coding change: c.1904T>C on transcript NM_001040142.2 (MANE Select); coding-DNA position 1904, T replaced by C.
Protein change: p.Leu635Pro; replaces leucine 635 with proline.
Molecular consequence: missense variant.
Genome position (GRCh38, 1-based): chr2:165,323,388, T>C. VCF-style: chr2-165323388-T-C. GRCh37 (hg19) VCF-style: chr2-166179898-T-C.
Other names: p.L635P:CTC>CCC; c.1904T>C, p.Leu635Pro (NM_001040143.2, NM_001371246.1, NM_001371247.1 and 1 more transcripts); short protein forms L635P.
Identifiers: ClinVar variation 207067 (VCV000207067.13), dbSNP rs558887330, ClinGen allele CA318153.